The following is an entry in ClinVar:

ClinVar aggregate classification (germline): Uncertain significance. Review status: criteria provided, multiple submitters, no conflicts (2 of 4 stars). 2 submissions from 2 submitters: Uncertain significance (2). Last evaluated 2025-12-22.

Conditions:
Hereditary cancer-predisposing syndrome. Also called: Neoplastic Syndromes, Hereditary; Hereditary neoplastic syndrome; Tumor predisposition; Hereditary Cancer Syndrome. Identifiers: Orphanet 140162, MedGen C0027672, MeSH D009386, MONDO:0015356.
Chuvash polycythemia. Also called: POLYCYTHEMIA, VHL-DEPENDENT. Identifiers: Orphanet 238557, MedGen C1837915, MONDO:0009892, OMIM 263400.
Von Hippel-Lindau syndrome (VHLS). Also called: Von Hippel-Lindau; VHL syndrome; von Hippel–Lindau syndrome. Identifiers: Orphanet 892, MedGen C0019562, MONDO:0008667, OMIM 193300. Disease mechanism: loss of function.

Allele frequency attached by ClinVar (database versions not stated): TOPMed below 0.00001; gnomAD 0.00001.

Submissions (2):

Labcorp Genetics (formerly Invitae), Labcorp
Classification: Uncertain significance for Von Hippel-Lindau syndrome; Chuvash polycythemia. Last evaluated: 2025-12-22. Review status: criteria provided, single submitter. Criteria: Invitae Variant Classification Sherloc (09022015). Collection method: clinical testing. Allele origin: germline.
Comment: This sequence change falls in intron 1 of the VHL gene. It is not expected to change the encoded amino acid sequence of the VHL protein. However, this sequence change falls within a cryptic exon in the VHL gene, known as exon E1’, which is naturally expressed at low levels in several human tissues (PMID: 29891534). This variant is not present in population databases (gnomAD no frequency). This variant has not been reported in the literature in individuals affected with VHL-related conditions. ClinVar contains an entry for this variant (Variation ID: 836162). Studies have shown that this variant is associated with inconclusive levels of altered splicing (internal data). In summary, the available evidence is currently insufficient to determine the role of this variant in disease. Therefore, it has been classified as a Variant of Uncertain Significance.

Ambry Genetics
Classification: Uncertain significance for Hereditary cancer-predisposing syndrome. Last evaluated: 2025-01-16. Review status: criteria provided, single submitter. Criteria: Ambry Variant Classification Scheme 2023. Collection method: clinical testing. Allele origin: germline.
Comment: The c.340+752G>A intronic variant results from a G to A substitution 752 nucleotides after coding exon 1 in the VHL gene. This nucleotide position is well conserved in available vertebrate species. In silico splice site analysis predicts that this alteration may result in the creation or strengthening of a novel splice donor site; however, direct evidence is insufficient at this time (Ambry internal data). Based on the available evidence, the clinical significance of this variant remains unclear.

Literature cited by the submitters: PubMed 29891534 (cited by Labcorp Genetics (formerly Invitae), Labcorp).

NM_000551.4(VHL):c.340+752G>A

Genes: VHL (von Hippel-Lindau tumor suppressor; plus strand), LOC107303340 (3p25 von Hippel-Lindau tumor suppressor, E3 ubiquitin protein ligase Alu-mediated recombination region; plus strand). Cytogenetic location: 3p25.3.
Variant type: single nucleotide variant.
Coding change: c.340+752G>A on transcript NM_000551.4 (MANE Select); 752 bases into the intron after coding-DNA position 340, G replaced by A.
Molecular consequence: intron variant. On other transcripts: missense variant (1).
Genome position (GRCh38, 1-based): chr3:10,142,939, G>A. VCF-style: chr3-10142939-G-A. GRCh37 (hg19) VCF-style: chr3-10184623-G-A.
Other names: c.517G>A, p.Gly173Ser (NM_001354723.2); c.340+752G>A (NM_198156.3); short protein forms G173S.
Identifiers: ClinVar variation 836162 (VCV000836162.9), dbSNP rs1696163031, ClinGen allele CA916081416.